The following is an entry in ClinVar:

NM_001457.4(FLNB):c.1897A>G (p.Met633Val)

Gene: FLNB (filamin B; plus strand). Cytogenetic location: 3p14.3.
Variant type: single nucleotide variant.
Coding change: c.1897A>G on transcript NM_001457.4 (MANE Select); coding-DNA position 1897, A replaced by G.
Protein change: p.Met633Val; replaces methionine 633 with valine.
Molecular consequence: missense variant.
Genome position (GRCh38, 1-based): chr3:58,106,829, A>G. VCF-style: chr3-58106829-A-G. GRCh37 (hg19) VCF-style: chr3-58092556-A-G.
Other names: c.1897A>G, p.Met633Val (NM_001164317.2, NM_001164318.2, NM_001164319.2); short protein forms M633V.
Identifiers: ClinVar variation 449965 (VCV000449965.14), dbSNP rs937051879, ClinGen allele CA75432406.
Genomic context (GRCh38, chr3:58,106,829, plus strand): 5'-CCTGGCGAATATGCTGTTCACATCATGTGTGACGACGAAGACATCAAGGACAGCCCGTAC[A>G]TGGCCTTCATCCACCCAGCCACGGGAGGCTACAACCCTGATCTGGTGAATCAGCTGCTGT-3'
Protein context (NP_001448.2, residues 623-643): DDEDIKDSPY[Met633Val]AFIHPATGGY

ClinVar aggregate classification (germline): Conflicting classifications of pathogenicity. Review status: criteria provided, conflicting classifications (1 of 4 stars). 3 submissions from 3 submitters: Uncertain significance (2); Likely benign (1). Last evaluated 2025-11-11.

Allele frequency attached by ClinVar (database versions not stated): gnomAD 0.00002; gnomAD exomes 0.00002 and 0.00004; TOPMed 0.00003.
gnomAD v4.1: 38 of 1,613,954 alleles (0.0024%); highest among the groups gnomAD compares: East Asian, 0.011%; no homozygotes.

Submissions (3):

Labcorp Genetics (formerly Invitae), Labcorp
Classification: Likely benign. Last evaluated: 2025-11-11. Review status: criteria provided, single submitter. Criteria: Invitae Variant Classification Sherloc (09022015). Collection method: clinical testing. Allele origin: germline.

ARUP Laboratories, Molecular Genetics and Genomics, ARUP Laboratories
Classification: Uncertain significance. Last evaluated: 2018-07-09. Review status: criteria provided, single submitter. Criteria: ARUP Molecular Germline Variant Investigation Process. Collection method: clinical testing. Allele origin: germline.
Comment: The FLNB c.1897A>G; p.Met633Val variant (rs937051879) has been described in at least one individual with sporadic congenital talipes equinovarus (Yang 2016). It is reported as a variant of uncertain significance in ClinVar (Variation ID: 449965) and observed at a low overall frequency of 0.0045% (11/245826 alleles) in the Genome Aggregation Database. The methionine at codon 633 is highly conserved, but computational algorithms (PolyPhen-2: probably damaging, SIFT: tolerated) are inconclusive on the effect of this variant on protein structure and/or function. In vitro functional studies demonstrate increased FLNB protein expression and cytoplasmic focal accumulation (Yang 2016). However, due to limited information regarding this variant, its clinical significance cannot be determined with certainty. References: Yang H et al. Three novel missense mutations in the filamin B gene are associated with isolated congenital talipes equinovarus. Hum Genet. 2016 Oct;135(10):1181-9. Pathogenic FLNB variants are inherited in an autosomal recessive manner and associated with spondylocarpotarsal synostosis syndrome (MIM: 272460), and in an autosomal dominant manner and associated with atelosteogenesis type I (MIM: 108720), atelosteogenesis type III (MIM: 108721), and Larsen syndrome (MIM: 150250).

GeneDx
Classification: Uncertain significance. Last evaluated: 2017-09-21. Review status: criteria provided, single submitter. Criteria: GeneDx Variant Classification (06012015). Collection method: clinical testing. Allele origin: germline. Affected: yes.
Comment: In vitro functional studies suggest that the M633V variant causes increased FLNB protein expression and altered actin-binding (Yang et al., 2016). However, the M633V variant is observed in 7/17246 (0.041%) alleles from individuals of East Asian background in the ExAC dataset (Lek et al., 2016). The M633V variant is a conservative amino acid substitution, which is not likely to impact secondary protein structure as these residues share similar properties. This substitution occurs at a position that is conserved across species. In silico analysis is inconsistent in its predictions as to whether or not the variant is damaging to the protein structure/function. In summary, based on the currently available information, it is unclear whether this variant is a pathogenic variant or a rare benign variant.